The following is an entry in ClinVar:

ClinVar aggregate classification (germline): Pathogenic (1 of 4 stars; one submission).

Allele frequency attached by ClinVar (database versions not stated): gnomAD exomes below 0.00001.

Submission:

Labcorp Genetics (formerly Invitae), Labcorp
Classification: Pathogenic. Last evaluated: 2022-05-20. Review status: criteria provided, single submitter. Criteria: Invitae Variant Classification Sherloc (09022015). Collection method: clinical testing. Allele origin: germline.
Comment: This variant has not been reported in the literature in individuals affected with SLC45A2-related conditions. This variant is not present in population databases (gnomAD no frequency). This sequence change creates a premature translational stop signal (p.Met117Trpfs*11) in the SLC45A2 gene. It is expected to result in an absent or disrupted protein product. Loss-of-function variants in SLC45A2 are known to be pathogenic (PMID: 21458243, 26573111). For these reasons, this variant has been classified as Pathogenic.

Literature cited by the submitters: PubMed 21458243; PubMed 26573111.

NM_016180.5(SLC45A2):c.349del (p.Met117fs)

Gene: SLC45A2 (solute carrier family 45 member 2; minus strand). Cytogenetic location: 5p13.2.
Variant type: Deletion.
Coding change: c.349del on transcript NM_016180.5 (MANE Select); coding-DNA position 349, one base deleted (A; older notation c.349delA).
Protein change: p.Met117fs; shifts the reading frame from methionine 117.
Molecular consequence: frameshift variant.
Genome position (GRCh38, 1-based): chr5:33,984,235, T deleted on the plus strand (A on the coding strand, the reverse complement: SLC45A2 is on the minus strand). VCF-style (leftmost placement, unchanged base first): chr5-33984234-AT-A. GRCh37 (hg19) VCF-style: chr5-33984339-AT-A.
Other names: c.349del, p.Met117fs (NM_001012509.4, NM_001297417.4); short protein forms M117fs.
Identifiers: ClinVar variation 1996835 (VCV001996835.4), dbSNP rs2478921736, ClinGen allele CA2580073172.